The following is an entry in ClinVar:

ClinVar aggregate classification (germline): Uncertain significance (1 of 4 stars; one submission).

Submission:

GeneDx
Classification: Uncertain significance. Last evaluated: 2023-01-05. Review status: criteria provided, single submitter. Criteria: GeneDx Variant Classification Process June 2021. Collection method: clinical testing. Allele origin: germline. Affected: yes.
Comment: Not observed at significant frequency in large population cohorts (gnomAD); In silico analysis supports that this missense variant has a deleterious effect on protein structure/function; Has not been previously published as pathogenic or benign to our knowledge

NM_170606.3(KMT2C):c.4286A>C (p.Asp1429Ala)

Gene: KMT2C (lysine methyltransferase 2C; minus strand). Cytogenetic location: 7q36.1.
Variant type: single nucleotide variant.
Coding change: c.4286A>C on transcript NM_170606.3 (MANE Select); coding-DNA position 4286, A replaced by C.
Protein change: p.Asp1429Ala; replaces aspartic acid 1429 with alanine.
Molecular consequence: missense variant.
Genome position (GRCh38, 1-based): chr7:152,195,999, T>G on the plus strand (A>C on the coding strand, the complement: KMT2C is on the minus strand). VCF-style: chr7-152195999-T-G. GRCh37 (hg19) VCF-style: chr7-151893084-T-G.
Other names: short protein forms D1429A.
Identifiers: ClinVar variation 2571889 (VCV002571889.1), dbSNP rs2487871350, ClinGen allele CA370106423.
Genomic context (GRCh38, chr7:152,195,999, plus strand): 5'-GAAATTATTCCAAGAATGTCATCATCTGTGTTTAAAACTTCAGAAATATCAGCTAATGGG[T>G]CATCAGCAGGACCTAAATATAGTAAATATGTTTTTTAAAATTTCAGTATTTTCTCAGATA-3'
Protein context (NP_733751.2, residues 1419-1439): TKSGTHGPAD[Asp1429Ala]PLADISEVLN